The following is an entry in ClinVar:

ClinVar aggregate classification (germline): Likely pathogenic (1 of 4 stars; one submission).

Conditions:
Nephronophthisis 12 (NPHP12). Identifiers: Orphanet 655, MedGen C3151186, MONDO:0013442, OMIM 613820.

Submission:

3billion
Classification: Likely pathogenic for Nephronophthisis 12. Last evaluated: 2025-09-16. Review status: criteria provided, single submitter. Criteria: ACMG Guidelines, 2015. Collection method: clinical testing. Allele origin: germline. Affected: yes.
Comment: The variant is not observed in the gnomAD v4.1.0 dataset. Predicted Consequence/Location: Frameshift: predicted to result in a loss or disruption of normal protein function through nonsense-mediated decay (NMD) or protein truncation. Multiple pathogenic variants are reported downstream of the variant. Therefore, this variant is classified as Likely pathogenic according to the recommendation of ACMG/AMP guideline.

NM_024753.5(TTC21B):c.1618del (p.Glu540fs)

Gene: TTC21B (tetratricopeptide repeat domain 21B; minus strand). Cytogenetic location: 2q24.3.
Variant type: Deletion.
Coding change: c.1618del on transcript NM_024753.5 (MANE Select); coding-DNA position 1618, one base deleted (G; older notation c.1618delG).
Protein change: p.Glu540fs; shifts the reading frame from glutamic acid 540.
Molecular consequence: frameshift variant.
Genome position (GRCh38, 1-based): chr2:165,919,332, C deleted on the plus strand (G on the coding strand, the reverse complement: TTC21B is on the minus strand). VCF-style (leftmost placement, unchanged base first): chr2-165919331-TC-T. GRCh37 (hg19) VCF-style: chr2-166775841-TC-T.
Other names: short protein forms E540fs.
Identifiers: ClinVar variation 4856190 (VCV004856190.1).